The following is an entry in ClinVar:

ClinVar aggregate classification (germline): Uncertain significance. Review status: criteria provided, multiple submitters, no conflicts (2 of 4 stars). 3 submissions from 3 submitters: Uncertain significance (3). Last evaluated 2023-07-14.

Conditions:
Spermatogenic failure 18. Identifiers: MedGen C4539783, MONDO:0054615, OMIM 617576.
Ciliary dyskinesia, primary, 37 (CILD37). Also called: CILIARY DYSKINESIA, PRIMARY, 37, WITH OR WITHOUT SITUS INVERSUS. Identifiers: MedGen C4539798, MONDO:0033204, OMIM 617577.
DNAH1-related disorder. Also called: DNAH1-related condition.

Allele frequency attached by ClinVar (database versions not stated): ExAC 0.00001; gnomAD 0.00001 and 0.00002; TOPMed 0.00001; gnomAD exomes 0.00002 and 0.00003.
gnomAD v4.1: 43 of 1,613,828 alleles (0.0027%); highest among the groups gnomAD compares: Non-Finnish European, 0.0033%; no homozygotes.

Submissions (3):

PreventionGenetics, part of Exact Sciences
Classification: Uncertain significance for DNAH1-related condition. Last evaluated: 2023-07-14. Review status: criteria provided, single submitter. Criteria: ACMG Guidelines, 2015. Collection method: clinical testing. Allele origin: germline.
Comment: The DNAH1 c.4603C>T variant is predicted to result in the amino acid substitution p.Arg1535Cys. To our knowledge, this variant has not been reported in the literature. This variant is reported in 0.0057% of alleles in individuals of Latino descent in gnomAD. At this time, the clinical significance of this variant is uncertain due to the absence of conclusive functional and genetic evidence.

Ambry Genetics
Classification: Uncertain significance. Last evaluated: 2021-10-20. Review status: criteria provided, single submitter. Criteria: Ambry Variant Classification Scheme 2023. Collection method: clinical testing. Allele origin: germline.

Labcorp Genetics (formerly Invitae), Labcorp
Classification: Uncertain significance for Ciliary dyskinesia, primary, 37; Spermatogenic failure 18. Last evaluated: 2019-03-14. Review status: criteria provided, single submitter. Criteria: Invitae Variant Classification Sherloc (09022015). Collection method: clinical testing. Allele origin: germline.
Comment: This variant is present in population databases (rs775222435, ExAC 0.002%). In summary, the available evidence is currently insufficient to determine the role of this variant in disease. Therefore, it has been classified as a Variant of Uncertain Significance. Algorithms developed to predict the effect of missense changes on protein structure and function are either unavailable or do not agree on the potential impact of this missense change (SIFT: "Deleterious"; PolyPhen-2: "Benign"; Align-GVGD: "Class C65"). This variant has not been reported in the literature in individuals with DNAH1-related conditions. This sequence change replaces arginine with cysteine at codon 1535 of the DNAH1 protein (p.Arg1535Cys). The arginine residue is highly conserved and there is a large physicochemical difference between arginine and cysteine.

NM_015512.5(DNAH1):c.4603C>T (p.Arg1535Cys)

Gene: DNAH1 (dynein axonemal heavy chain 1; plus strand). Cytogenetic location: 3p21.1.
Variant type: single nucleotide variant.
Coding change: c.4603C>T on transcript NM_015512.5 (MANE Select); coding-DNA position 4603, C replaced by T.
Protein change: p.Arg1535Cys; replaces arginine 1535 with cysteine.
Molecular consequence: missense variant.
Genome position (GRCh38, 1-based): chr3:52,360,342, C>T. VCF-style: chr3-52360342-C-T. GRCh37 (hg19) VCF-style: chr3-52394358-C-T.
Other names: short protein forms R1535C.
Identifiers: ClinVar variation 838093 (VCV000838093.9), dbSNP rs775222435, ClinGen allele CA2433964.
Genomic context (GRCh38, chr3:52,360,342, plus strand): 5'-GCCAGGCCCTCATCTCCCTGCACCGCCAGGTACTACTGGACAAATAATGACCTGTATATC[C>T]GTGCTGTGAATGCTGAGTTCATCTATGGCTATGAGTACCTGGGCAACAGTGGGAGGCTGG-3'
Protein context (NP_056327.4, residues 1525-1545): YYWTNNDLYI[Arg1535Cys]AVNAEFIYGY